The following is an entry in ClinVar:

NM_153240.5(NPHP3):c.2880_2883del (p.Ser960fs)

Genes: NPHP3 (nephrocystin 3; minus strand), NPHP3-ACAD11 (NPHP3-ACAD11 readthrough (NMD candidate); minus strand). Cytogenetic location: 3q22.1.
Variant type: Microsatellite.
Coding change: c.2880_2883del on transcript NM_153240.5 (MANE Select); coding-DNA positions 2880 to 2883, 4 bases deleted (TCAG; older notation c.2880_2883delTCAG).
Protein change: p.Ser960fs; shifts the reading frame from serine 960.
Molecular consequence: frameshift variant. On other transcripts: non-coding transcript variant (1).
Genome position (GRCh38, 1-based): chr3:132,689,074-132,689,077, CTGA deleted on the plus strand (TCAG on the coding strand, the reverse complement: NPHP3 is on the minus strand); deleting any 4 consecutive bases within chr3:132,689,074-132,689,081 gives the same sequence; the c. name uses the placement nearest the transcript's 3' end. VCF-style (leftmost placement, unchanged base first): chr3-132689073-CCTGA-C. GRCh37 (hg19) VCF-style: chr3-132407917-CCTGA-C.
Other names: short protein forms S960fs.
Identifiers: ClinVar variation 1071323 (VCV001071323.7), dbSNP rs1939234862, ClinGen allele CA1402651914.
Genomic context (GRCh38, chr3:132,689,073, plus strand): 5'-GAGAAGAGTGAACACAAAAATCCCACCTGTCTCTGGCTTGCCATTGATCTGCTGAGCTTA[CCTGA>C]CTGAGAAGGCCTAGATCCTTGAGAAATCGCCCCAAGGTTTCATAAAGATCAGCTAAGCAA-3'

ClinVar aggregate classification (germline): Pathogenic (1 of 4 stars; one submission).

Conditions:
Nephronophthisis. Also called: Juvenile Nephronophthisis. Identifiers: Orphanet 655, MedGen C0687120, MONDO:0019005, HP:0000090.

Submission:

Labcorp Genetics (formerly Invitae), Labcorp
Classification: Pathogenic for Nephronophthisis. Last evaluated: 2024-01-02. Review status: criteria provided, single submitter. Criteria: Invitae Variant Classification Sherloc (09022015). Collection method: clinical testing. Allele origin: germline.
Comment: This sequence change creates a premature translational stop signal (p.Ser960Argfs*3) in the NPHP3 gene. It is expected to result in an absent or disrupted protein product. Loss-of-function variants in NPHP3 are known to be pathogenic (PMID: 18371931, 23559409). This variant is not present in population databases (gnomAD no frequency). This variant has not been reported in the literature in individuals affected with NPHP3-related conditions. Algorithms developed to predict the effect of sequence changes on RNA splicing suggest that this variant may disrupt the consensus splice site. For these reasons, this variant has been classified as Pathogenic.

Literature cited by the submitters: PubMed 18371931; PubMed 23559409.